The following is an entry in ClinVar:

ClinVar aggregate classification (germline): Pathogenic (1 of 4 stars; one submission).

Conditions:
Abetalipoproteinaemia (ABL). Also called: MTP DEFICIENCY; Abetalipoproteinemia; Abetalipoproteinemia neuropathy; Apolipoprotein B deficiency; Congenital betalipoprotein deficiency syndrome. Identifiers: Orphanet 14, MedGen C0000744, MONDO:0008692, OMIM 200100, HP:0008181.

Submission:

Myriad Genetics, Inc.
Classification: Pathogenic for Abetalipoproteinaemia. Last evaluated: 2024-09-04. Review status: criteria provided, single submitter. Criteria: Myriad Autosomal Dominant, Autosomal Recessive and X-Linked Classification Criteria (2023). Collection method: clinical testing. Allele origin: unknown.
Comment: NM_000253.2(MTTP):c.295delAinsGTT(K99Vfs*13) is expected to be pathogenic in the context of abetalipoproteinemia. This variant is predicted to lead to an abnormal or absent protein product due to the creation of a premature termination codon in MTTP, a gene where loss-of-function variants are known to be pathogenic. Please note: this variant was assessed in the context of healthy population screening.

NM_001386140.1(MTTP):c.295delinsGTT (p.Lys99fs)

Gene: MTTP (microsomal triglyceride transfer protein; plus strand). Cytogenetic location: 4q23.
Variant type: Indel.
Coding change: c.295delinsGTT on transcript NM_001386140.1 (MANE Select); coding-DNA position 295, A replaced by GTT.
Protein change: p.Lys99fs; shifts the reading frame from lysine 99.
Molecular consequence: frameshift variant.
Genome position (GRCh38, 1-based): chr4:99,583,419, A replaced by GTT. VCF-style: chr4-99583419-A-GTT. GRCh37 (hg19) VCF-style: chr4-100504576-A-GTT.
Other names: c.295delinsGTT, p.Lys99fs (NM_000253.4); c.46delinsGTT, p.Lys16fs (NM_001300785.2); short protein forms K16fs, K99fs.
Identifiers: ClinVar variation 5013529 (VCV005013529.1).